The following is an entry in ClinVar:

NM_015047.3(EMC1):c.221-2A>G

Gene: EMC1 (ER membrane protein complex subunit 1; minus strand). Cytogenetic location: 1p36.13.
Variant type: single nucleotide variant.
Coding change: c.221-2A>G on transcript NM_015047.3 (MANE Select); the canonical splice acceptor site of the intron before coding-DNA position 221, A replaced by G.
Molecular consequence: splice acceptor variant. On other transcripts: intron variant (1).
Genome position (GRCh38, 1-based): chr1:19,244,017, T>C on the plus strand (A>G on the coding strand, the complement: EMC1 is on the minus strand). VCF-style: chr1-19244017-T-C. GRCh37 (hg19) VCF-style: chr1-19570511-T-C.
Other names: c.221-310A>G (NM_001271429.2); c.221-2A>G (NM_001271427.2, NM_001375821.1, NM_001271428.2 and 1 more transcripts).
Identifiers: ClinVar variation 2080673 (VCV002080673.4), dbSNP rs374972410, ClinGen allele CA653002.
Genomic context (GRCh38, chr1:19,244,017, plus strand): 5'-GTGCAGCAGCATGGCATCCACAGCCCCTTCTGCCGTGCCCTTGTCAACATGGCGCCACAC[T>C]GAGAGACATGAAAGTTAGACATTACTATGAACAAAAGGTGGCAACCCAGAAGACTAAGAA-3'

ClinVar aggregate classification (germline): Likely pathogenic (1 of 4 stars; one submission).

Allele frequency attached by ClinVar (database versions not stated): ExAC 0.00001; ESP Exome Variant Server 0.00008.

Submission:

Labcorp Genetics (formerly Invitae), Labcorp
Classification: Likely pathogenic. Last evaluated: 2023-07-10. Review status: criteria provided, single submitter. Criteria: Invitae Variant Classification Sherloc (09022015). Collection method: clinical testing. Allele origin: germline.
Comment: This sequence change affects an acceptor splice site in intron 2 of the EMC1 gene. It is expected to disrupt RNA splicing. Variants that disrupt the donor or acceptor splice site typically lead to a loss of protein function (PMID: 16199547), and loss-of-function variants in EMC1 are known to be pathogenic (PMID: 26572623, 26942288, 29271071). The frequency data for this variant in the population databases is considered unreliable, as metrics indicate poor data quality at this position in the gnomAD database. This variant has not been reported in the literature in individuals affected with EMC1-related conditions. ClinVar contains an entry for this variant (Variation ID: 2080673). Algorithms developed to predict the effect of sequence changes on RNA splicing suggest that this variant may disrupt the consensus splice site. In summary, the currently available evidence indicates that the variant is pathogenic, but additional data are needed to prove that conclusively. Therefore, this variant has been classified as Likely Pathogenic.

Literature cited by the submitters: PubMed 16199547; PubMed 26572623; PubMed 26942288; PubMed 29271071.